The following is an entry in ClinVar:

NM_003640.5(ELP1):c.677G>C (p.Arg226Pro)

Gene: ELP1 (elongator acetyltransferase complex subunit 1; minus strand). Cytogenetic location: 9q31.3.
Variant type: single nucleotide variant.
Coding change: c.677G>C on transcript NM_003640.5 (MANE Select); coding-DNA position 677, G replaced by C.
Protein change: p.Arg226Pro; replaces arginine 226 with proline.
Molecular consequence: missense variant. On other transcripts: intron variant (1).
Genome position (GRCh38, 1-based): chr9:108,918,874, C>G on the plus strand (G>C on the coding strand, the complement: ELP1 is on the minus strand). VCF-style: chr9-108918874-C-G. GRCh37 (hg19) VCF-style: chr9-111681154-C-G.
Other names: c.335G>C, p.Arg112Pro (NM_001318360.2); c.-307-1204G>C (NM_001330749.2); short protein forms R112P, R226P.
Identifiers: ClinVar variation 1423981 (VCV001423981.5), dbSNP rs758239907, ClinGen allele CA5175266.

ClinVar aggregate classification (germline): Uncertain significance (1 of 4 stars; one submission).

Submission:

Labcorp Genetics (formerly Invitae), Labcorp
Classification: Uncertain significance. Last evaluated: 2021-09-24. Review status: criteria provided, single submitter. Criteria: Invitae Variant Classification Sherloc (09022015). Collection method: clinical testing. Allele origin: germline.
Comment: This sequence change replaces arginine with proline at codon 226 of the ELP1 protein (p.Arg226Pro). The arginine residue is highly conserved and there is a moderate physicochemical difference between arginine and proline. This variant is present in population databases (rs758239907, ExAC 0.006%). This variant has not been reported in the literature in individuals with ELP1-related conditions. Algorithms developed to predict the effect of missense changes on protein structure and function are either unavailable or do not agree on the potential impact of this missense change (SIFT: "Deleterious"; PolyPhen-2: "Probably Damaging"; Align-GVGD: "Class C0"). In summary, the available evidence is currently insufficient to determine the role of this variant in disease. Therefore, it has been classified as a Variant of Uncertain Significance.